The following is an entry in ClinVar:

NM_199420.4(POLQ):c.1315G>A (p.Val439Ile)

Gene: POLQ (DNA polymerase theta; minus strand). Cytogenetic location: 3q13.33.
Variant type: single nucleotide variant.
Coding change: c.1315G>A on transcript NM_199420.4 (MANE Select); coding-DNA position 1315, G replaced by A.
Protein change: p.Val439Ile; replaces valine 439 with isoleucine.
Molecular consequence: missense variant.
Genome position (GRCh38, 1-based): chr3:121,520,024, C>T on the plus strand (G>A on the coding strand, the complement: POLQ is on the minus strand). VCF-style: chr3-121520024-C-T. GRCh37 (hg19) VCF-style: chr3-121238871-C-T.
Other names: short protein forms V439I.
Identifiers: ClinVar variation 3229827 (VCV003229827.1), dbSNP rs773109200, ClinGen allele CA354119763.
Genomic context (GRCh38, chr3:121,520,024, plus strand): 5'-TAATCACACGACGTGCAGGTAAATTCACCCCAGAAGAAAGAGTAGAAGTTGCCGCCAAGA[C>T]CCGAATGAGACCTTGACGAAAGGCTCCTTCAATGATATCCCTCTCCTCAAAAGTAAGACC-3'
Protein context (NP_955452.3, residues 429-449): EGAFRQGLIR[Val439Ile]LAATSTLSSG

ClinVar aggregate classification (germline): Uncertain significance (1 of 4 stars; one submission).

Submission:

Ambry Genetics
Classification: Uncertain significance. Last evaluated: 2023-11-09. Review status: criteria provided, single submitter. Criteria: Ambry Variant Classification Scheme 2023. Collection method: clinical testing. Allele origin: germline.
Comment: The p.V439I variant (also known as c.1315G>A), located in coding exon 9 of the POLQ gene, results from a G to A substitution at nucleotide position 1315. The valine at codon 439 is replaced by isoleucine, an amino acid with highly similar properties. This amino acid position is conserved. In addition, this alteration is predicted to be tolerated by in silico analysis. Since supporting evidence is limited at this time, the clinical significance of this alteration remains unclear.